The following is an entry in ClinVar:

ClinVar aggregate classification (germline): Uncertain significance (1 of 4 stars; one submission).

Conditions:
Granulomatous disease, chronic, autosomal recessive, cytochrome b-positive, type 2. Also called: CGD, AUTOSOMAL RECESSIVE CYTOCHROME b-POSITIVE, TYPE II; GRANULOMATOUS DISEASE, CHRONIC, DUE TO NCF2 DEFICIENCY; GRANULOMATOUS DISEASE, CHRONIC, AUTOSOMAL RECESSIVE, 2; Chronic granulomatous disease due to deficiency of NCF-2; Chronic Granulomatous Disease, Autosomal Recessive, Cytochrome b-Positive, Type II. Identifiers: Orphanet 379, MedGen C1856245, MONDO:0009310, OMIM 233710.

Allele frequency attached by ClinVar (database versions not stated): TOPMed 0.00002; ExAC 0.00003; gnomAD 0.00003; gnomAD exomes 0.00003.
gnomAD v4.1: 56 of 1,614,020 alleles (0.0035%); highest among the groups gnomAD compares: Admixed American, 0.0083%; no homozygotes.

Submission:

Labcorp Genetics (formerly Invitae), Labcorp
Classification: Uncertain significance for Granulomatous disease, chronic, autosomal recessive, cytochrome b-positive, type 2. Last evaluated: 2021-08-31. Review status: criteria provided, single submitter. Criteria: Invitae Variant Classification Sherloc (09022015). Collection method: clinical testing. Allele origin: germline.
Comment: This sequence change replaces asparagine with serine at codon 274 of the NCF2 protein (p.Asn274Ser). The asparagine residue is weakly conserved and there is a small physicochemical difference between asparagine and serine. This variant is present in population databases (rs754118806, ExAC 0.03%). This variant has not been reported in the literature in individuals affected with NCF2-related conditions. Algorithms developed to predict the effect of missense changes on protein structure and function output the following: SIFT: "Tolerated"; PolyPhen-2: "Benign"; Align-GVGD: "Class C0". The serine amino acid residue is found in multiple mammalian species, which suggests that this missense change does not adversely affect protein function. In summary, the available evidence is currently insufficient to determine the role of this variant in disease. Therefore, it has been classified as a Variant of Uncertain Significance.

NM_000433.4(NCF2):c.821A>G (p.Asn274Ser)

Gene: NCF2 (neutrophil cytosolic factor 2; minus strand). Cytogenetic location: 1q25.3.
Variant type: single nucleotide variant.
Coding change: c.821A>G on transcript NM_000433.4 (MANE Select); coding-DNA position 821, A replaced by G.
Protein change: p.Asn274Ser; replaces asparagine 274 with serine.
Molecular consequence: missense variant.
Genome position (GRCh38, 1-based): chr1:183,567,238, T>C on the plus strand (A>G on the coding strand, the complement: NCF2 is on the minus strand). VCF-style: chr1-183567238-T-C. GRCh37 (hg19) VCF-style: chr1-183536373-T-C.
Other names: c.821A>G, p.Asn274Ser (NM_001127651.3); c.578A>G, p.Asn193Ser (NM_001190789.2); c.686A>G, p.Asn229Ser (NM_001190794.2); short protein forms N193S, N229S, N274S.
Identifiers: ClinVar variation 1010894 (VCV001010894.6), dbSNP rs754118806, ClinGen allele CA1284799.
Genomic context (GRCh38, chr1:183,567,238, plus strand): 5'-GCACCAGCCCCTGATCCTCTGCATACCTGCCCGTTGAACATGACCGTGGCCCAGTTATCA[T>C]TGCCCTTCTTCAAGACAAAGACAATGTTCCCTGGCATGACCTGGAGCTCTTCTTTTGTCT-3'
Protein context (NP_000424.2, residues 264-284): GNIVFVLKKG[Asn274Ser]DNWATVMFNG